The following is an entry in ClinVar:

NM_015703.5(RRP7A):c.384G>A (p.Gly128=)

Gene: RRP7A (ribosomal RNA processing 7 homolog A; minus strand). Cytogenetic location: 22q13.2.
Variant type: single nucleotide variant.
Coding change: c.384G>A on transcript NM_015703.5 (MANE Select); coding-DNA position 384, G replaced by A.
Protein change: p.Gly128=; no amino-acid change (glycine 128 retained).
Molecular consequence: synonymous variant.
Genome position (GRCh38, 1-based): chr22:42,515,227, C>T on the plus strand (G>A on the coding strand, the complement: RRP7A is on the minus strand). VCF-style: chr22-42515227-C-T. GRCh37 (hg19) VCF-style: chr22-42911233-C-T.
Identifiers: ClinVar variation 2653257 (VCV002653257.24), dbSNP rs376010453, ClinGen allele CA10268215.

ClinVar aggregate classification (germline): Likely benign (1 of 4 stars; one submission).

Allele frequency attached by ClinVar (database versions not stated): ESP Exome Variant Server 0.00008; gnomAD 0.00016; gnomAD exomes 0.00026; 1000 Genomes Project 0.00040; 1000 Genomes Project 30x 0.00047; ExAC 0.00072.

Submission:

CeGaT Center for Human Genetics Tuebingen
Classification: Likely benign. Last evaluated: 2023-10-01. Review status: criteria provided, single submitter. Criteria: CeGaT Center For Human Genetics Tuebingen Variant Classification Criteria Version 2. Collection method: clinical testing. Allele origin: germline. Affected: yes. Observed: 2 variant alleles.
Comment: RRP7A: BP4, BP7, BS2